The following is an entry in ClinVar:

ClinVar aggregate classification (germline): Likely pathogenic (1 of 4 stars; one submission).

Conditions:
Hereditary cancer-predisposing syndrome. Also called: Hereditary neoplastic syndrome; Neoplastic Syndromes, Hereditary; Tumor predisposition; Hereditary Cancer Syndrome. Identifiers: Orphanet 140162, MedGen C0027672, MeSH D009386, MONDO:0015356.

Submission:

Ambry Genetics
Classification: Likely pathogenic for Hereditary cancer-predisposing syndrome. Last evaluated: 2022-03-04. Review status: criteria provided, single submitter. Criteria: Ambry Variant Classification Scheme 2023. Collection method: clinical testing. Allele origin: germline.
Comment: The c.8732_8752del21 variant (also known as p.T2911_G2917del) is located in coding exon 59 of the ATM gene. This variant results from an in-frame CCAGAGATATTGTGGATGGCA deletion at nucleotide positions 8732 to 8752. This results in the in-frame deletion of seven amino acids beginning at codon 2911. The resulting transcript is predicted to be in-frame and is not expected to trigger nonsense-mediated mRNA decay. However, the impacted region is critical for protein function (Ambry internal data). This variant is considered to be rare based on population cohorts in the Genome Aggregation Database (gnomAD). This amino acid region is highly conserved in available vertebrate species. As such, this alteration is classified as likely pathogenic.

NM_000051.4(ATM):c.8732_8752del (p.Thr2911_Gly2917del)

Genes: ATM (ATM serine/threonine kinase; plus strand), C11orf65 (chromosome 11 open reading frame 65; minus strand). Cytogenetic location: 11q22.3.
Variant type: Deletion.
Coding change: c.8732_8752del on transcript NM_000051.4 (MANE Select); coding-DNA positions 8732 to 8752, 21 bases deleted (CCAGAGATATTGTGGATGGCA).
Protein change: p.Thr2911_Gly2917del.
Molecular consequence: inframe deletion. On other transcripts: intron variant (2).
Genome position (GRCh38, 1-based): chr11:108,353,826-108,353,846, CCAGAGATATTGTGGATGGCA deleted; deleting any 21 consecutive bases within chr11:108,353,824-108,353,846 gives the same sequence; the c. name uses the placement nearest the transcript's 3' end. VCF-style (leftmost placement, unchanged base first): chr11-108353823-TCACCAGAGATATTGTGGATGG-T. GRCh37 (hg19) VCF-style: chr11-108224550-TCACCAGAGATATTGTGGATGG-T.
Other names: c.8732_8752del, p.Thr2911_Gly2917del (NM_001351834.2); c.640+32076_640+32096del (NM_001330368.2); c.695-18552_695-18532del (NM_001351110.2).
Identifiers: ClinVar variation 1764480 (VCV001764480.2), dbSNP rs2547516848, ClinGen allele CA2580083034.
Genomic context (GRCh38, chr11:108,353,823, plus strand): 5'-TAGGTGTTGCTTTTGAACAGGGCAAAATCCTTCCTACTCCTGAGACAGTTCCTTTTAGAC[TCACCAGAGATATTGTGGATGG>T]CATGGGCATTACGGGTGTTGAAGGTGTCTTCAGAAGGTAAGTGATATGAAGTAAAGGAGG-3'